The following is an entry in ClinVar:

NM_001025603.2(RFX5):c.1651A>G (p.Thr551Ala)

Gene: RFX5 (regulatory factor X5; minus strand). Cytogenetic location: 1q21.3.
Variant type: single nucleotide variant.
Coding change: c.1651A>G on transcript NM_001025603.2 (MANE Select); coding-DNA position 1651, A replaced by G.
Protein change: p.Thr551Ala; replaces threonine 551 with alanine.
Molecular consequence: missense variant.
Genome position (GRCh38, 1-based): chr1:151,342,386, T>C on the plus strand (A>G on the coding strand, the complement: RFX5 is on the minus strand). VCF-style: chr1-151342386-T-C. GRCh37 (hg19) VCF-style: chr1-151314862-T-C.
Other names: c.1651A>G, p.Thr551Ala (NM_000449.4, NM_001379412.1, NM_001379413.1 and 5 more transcripts); c.1531A>G, p.Thr511Ala (NM_001379419.1, NM_001379420.1); short protein forms T511A, T551A.
Identifiers: ClinVar variation 2048584 (VCV002048584.3), dbSNP rs1464766994, ClinGen allele CA341924482.

ClinVar aggregate classification (germline): Conflicting classifications of pathogenicity. Review status: criteria provided, conflicting classifications (1 of 4 stars). 2 submissions from 2 submitters: Uncertain significance (1); Likely benign (1). Last evaluated 2024-05-28.

Conditions:
MHC class II deficiency. Also called: Bare lymphocyte syndrome 2; BLS, TYPE II. Identifiers: Orphanet 572, MedGen C5447452, MONDO:0008855.

Submissions (2):

Ambry Genetics
Classification: Likely benign. Last evaluated: 2024-05-28. Review status: criteria provided, single submitter. Criteria: Ambry Variant Classification Scheme 2023. Collection method: clinical testing. Allele origin: germline.

Labcorp Genetics (formerly Invitae), Labcorp
Classification: Uncertain significance for MHC class II deficiency. Last evaluated: 2021-12-31. Review status: criteria provided, single submitter. Criteria: Invitae Variant Classification Sherloc (09022015). Collection method: clinical testing. Allele origin: germline.
Comment: In summary, the available evidence is currently insufficient to determine the role of this variant in disease. Therefore, it has been classified as a Variant of Uncertain Significance. Algorithms developed to predict the effect of missense changes on protein structure and function output the following: SIFT: "Tolerated"; PolyPhen-2: "Benign"; Align-GVGD: "Class C0". The alanine amino acid residue is found in multiple mammalian species, which suggests that this missense change does not adversely affect protein function. This variant has not been reported in the literature in individuals affected with RFX5-related conditions. This variant is not present in population databases (gnomAD no frequency). This sequence change replaces threonine, which is neutral and polar, with alanine, which is neutral and non-polar, at codon 551 of the RFX5 protein (p.Thr551Ala).